The following is an entry in ClinVar:

NM_000260.4(MYO7A):c.1611C>A (p.Asn537Lys)

Gene: MYO7A (myosin VIIA; plus strand). Cytogenetic location: 11q13.5.
Variant type: single nucleotide variant.
Coding change: c.1611C>A on transcript NM_000260.4 (MANE Select); coding-DNA position 1611, C replaced by A.
Protein change: p.Asn537Lys; replaces asparagine 537 with lysine.
Molecular consequence: missense variant.
Genome position (GRCh38, 1-based): chr11:77,162,909, C>A. VCF-style: chr11-77162909-C-A. GRCh37 (hg19) VCF-style: chr11-76873955-C-A.
Other names: c.1611C>A (NM_000260.3); c.1611C>A, p.Asn537Lys (NM_001127180.2); c.1578C>A, p.Asn526Lys (NM_001369365.1); short protein forms N526K, N537K.
Identifiers: ClinVar variation 2884541 (VCV002884541.4), dbSNP rs782806743, ClinGen allele CA6197529.

ClinVar aggregate classification (germline): Uncertain significance. Review status: criteria provided, multiple submitters, no conflicts (2 of 4 stars). 2 submissions from 2 submitters: Uncertain significance (2). Last evaluated 2024-07-14.

Conditions:
Inborn genetic diseases. Identifiers: MedGen C0950123, MeSH D030342.

Allele frequency attached by ClinVar (database versions not stated): ExAC 0.00001; gnomAD 0.00001; gnomAD exomes 0.00001; TOPMed 0.00001.
gnomAD v4.1: 10 of 1,613,738 alleles (0.00062%); highest among the groups gnomAD compares: African/African-American, 0.012%; no homozygotes.

Submissions (2):

Ambry Genetics
Classification: Uncertain significance for Inborn genetic diseases. Last evaluated: 2024-07-14. Review status: criteria provided, single submitter. Criteria: Ambry Variant Classification Scheme 2023. Collection method: clinical testing. Allele origin: germline.

Labcorp Genetics (formerly Invitae), Labcorp
Classification: Uncertain significance. Last evaluated: 2023-06-15. Review status: criteria provided, single submitter. Criteria: Invitae Variant Classification Sherloc (09022015). Collection method: clinical testing. Allele origin: germline.
Comment: This sequence change replaces asparagine, which is neutral and polar, with lysine, which is basic and polar, at codon 537 of the MYO7A protein (p.Asn537Lys). This variant is present in population databases (rs782806743, gnomAD 0.007%). This variant has not been reported in the literature in individuals affected with MYO7A-related conditions. Advanced modeling of protein sequence and biophysical properties (such as structural, functional, and spatial information, amino acid conservation, physicochemical variation, residue mobility, and thermodynamic stability) performed at Invitae indicates that this missense variant is not expected to disrupt MYO7A protein function. In summary, the available evidence is currently insufficient to determine the role of this variant in disease. Therefore, it has been classified as a Variant of Uncertain Significance.